The following is an entry in ClinVar:

ClinVar aggregate classification (germline): Uncertain significance (1 of 4 stars; one submission).

Submission:

Labcorp Genetics (formerly Invitae), Labcorp
Classification: Uncertain significance. Last evaluated: 2024-04-02. Review status: criteria provided, single submitter. Criteria: Invitae Variant Classification Sherloc (09022015). Collection method: clinical testing. Allele origin: germline.
Comment: This sequence change falls in intron 10 of the MSTO1 gene. It does not directly change the encoded amino acid sequence of the MSTO1 protein. It affects a nucleotide within the consensus splice site. This variant is not present in population databases (gnomAD no frequency). This variant has not been reported in the literature in individuals affected with MSTO1-related conditions. Variants that disrupt the consensus splice site are a relatively common cause of aberrant splicing (PMID: 17576681, 9536098). Algorithms developed to predict the effect of sequence changes on RNA splicing suggest that this variant is not likely to affect RNA splicing. In summary, the available evidence is currently insufficient to determine the role of this variant in disease. Therefore, it has been classified as a Variant of Uncertain Significance.

Literature cited by the submitters: PubMed 17576681; PubMed 9536098.

NM_018116.4(MSTO1):c.1099-3T>C

Gene: MSTO1 (misato mitochondrial distribution and morphology regulator 1; plus strand). Cytogenetic location: 1q22.
Variant type: single nucleotide variant.
Coding change: c.1099-3T>C on transcript NM_018116.4 (MANE Select); 3 bases into the intron before coding-DNA position 1099, T replaced by C.
Molecular consequence: intron variant.
Genome position (GRCh38, 1-based): chr1:155,613,046, T>C. VCF-style: chr1-155613046-T-C. GRCh37 (hg19) VCF-style: chr1-155582837-T-C.
Other names: c.568-3T>C (NM_001350779.1, NM_001350778.1, NM_001350777.1); c.556-3T>C (NM_001350784.1, NM_001350785.1, NM_001350789.1 and 1 more transcripts); c.565-3T>C (NM_001350781.1, NM_001350786.1, NM_001350788.1 and 3 more transcripts); c.934-3T>C (NM_001350776.1); c.1099-3T>C (NM_001350773.1, NM_001350774.1, NM_001350775.1 and 3 more transcripts).
Identifiers: ClinVar variation 3716482 (VCV003716482.2).